The following is an entry in ClinVar:

NC_000019.9:g.(?_14017255)_(14041208_?)del

Gene: CC2D1A (coiled-coil and C2 domain containing 1A; plus strand). Cytogenetic location: 19p13.12.
Variant type: Deletion.
Identifiers: ClinVar variation 3242704 (VCV003242704.1).

ClinVar aggregate classification (germline): Pathogenic (1 of 4 stars; one submission).

Submission:

Labcorp Genetics (formerly Invitae), Labcorp
Classification: Pathogenic. Last evaluated: 2023-11-30. Review status: criteria provided, single submitter. Criteria: Invitae Variant Classification Sherloc (09022015). Collection method: clinical testing. Allele origin: unknown.
Comment: A gross deletion of the genomic region encompassing the full coding sequence of the CC2D1A gene has been identified. Loss-of-function variants in CC2D1A are known to be pathogenic (PMID: 16033914). The boundaries of this event are unknown as they extend beyond the assayed region for this gene and therefore may encompass additional genes. This variant has not been reported in the literature in individuals affected with CC2D1A-related conditions. For these reasons, this variant has been classified as Pathogenic.

Literature cited by the submitters: PubMed 16033914.